The following is an entry in ClinVar:

NM_201596.3(CACNB2):c.253G>A (p.Asp85Asn)

Gene: CACNB2 (calcium voltage-gated channel auxiliary subunit beta 2; plus strand). Cytogenetic location: 10p12.31.
Variant type: single nucleotide variant.
Coding change: c.253G>A on transcript NM_201596.3 (MANE Select); coding-DNA position 253, G replaced by A.
Protein change: p.Asp85Asn; replaces aspartic acid 85 with asparagine.
Molecular consequence: missense variant.
Genome position (GRCh38, 1-based): chr10:18,401,963, G>A. VCF-style: chr10-18401963-G-A. GRCh37 (hg19) VCF-style: chr10-18690892-G-A.
Other names: c.88G>A, p.Asp30Asn (NM_000724.4, NM_001330060.2); c.169G>A, p.Asp57Asn (NM_001167945.2, NM_201571.4, NM_201572.4); c.109G>A, p.Asp37Asn (NM_001410882.1, NM_201570.3); c.91G>A, p.Asp31Asn (NM_201590.3); c.253G>A, p.Asp85Asn (NM_201593.3, NM_201597.3); short protein forms D30N, D31N, D37N, D57N, D85N.
Identifiers: ClinVar variation 2447823 (VCV002447823.2), dbSNP rs2493267485, ClinGen allele CA376219458.
Genomic context (GRCh38, chr10:18,401,963, plus strand): 5'-AATGTACATTTTCCTCTCCAGGGTTCGGCAGACTCCTACACTAGCCGTCCATCCGATTCC[G>A]ATGTATCTCTGGAGGAGGACCGGGAGGCAGTGCGCAGAGAAGCGGAGCGGCAGGCCCAGG-3'
Protein context (NP_963890.2, residues 75-95): DSYTSRPSDS[Asp85Asn]VSLEEDREAV

ClinVar aggregate classification (germline): Uncertain significance (1 of 4 stars; one submission).

Conditions:
Cardiovascular phenotype. Identifiers: MedGen CN230736.

Submission:

Ambry Genetics
Classification: Uncertain significance for Cardiovascular phenotype. Last evaluated: 2023-01-25. Review status: criteria provided, single submitter. Criteria: Ambry Variant Classification Scheme 2023. Collection method: clinical testing. Allele origin: germline.
Comment: The p.D31N variant (also known as c.91G>A), located in coding exon 2 of the CACNB2 gene, results from a G to A substitution at nucleotide position 91. The aspartic acid at codon 31 is replaced by asparagine, an amino acid with highly similar properties. This amino acid position is conserved. In addition, the in silico prediction for this alteration is inconclusive. Since supporting evidence is limited at this time, the clinical significance of this alteration remains unclear.